The following is an entry in ClinVar:

NM_005751.5(AKAP9):c.463A>T (p.Thr155Ser)

Gene: AKAP9 (A-kinase anchoring protein 9; plus strand). Cytogenetic location: 7q21.2.
Variant type: single nucleotide variant.
Coding change: c.463A>T on transcript NM_005751.5 (MANE Select); coding-DNA position 463, A replaced by T.
Protein change: p.Thr155Ser; replaces threonine 155 with serine.
Molecular consequence: missense variant.
Genome position (GRCh38, 1-based): chr7:91,992,942, A>T. VCF-style: chr7-91992942-A-T. GRCh37 (hg19) VCF-style: chr7-91622256-A-T.
Other names: c.463A>T, p.Thr155Ser (NM_147185.3); short protein forms T155S.
Identifiers: ClinVar variation 2009587 (VCV002009587.4), dbSNP rs2484666188, ClinGen allele CA368119451.

ClinVar aggregate classification (germline): Uncertain significance (1 of 4 stars; one submission).

Conditions:
Long QT syndrome (LQTS). Identifiers: MedGen C0023976, MeSH D008133, MONDO:0002442. Disease mechanism: loss of function. Inheritance: Various modes of inheritance.

Submission:

Labcorp Genetics (formerly Invitae), Labcorp
Classification: Uncertain significance for Long QT syndrome. Last evaluated: 2022-07-22. Review status: criteria provided, single submitter. Criteria: Invitae Variant Classification Sherloc (09022015). Collection method: clinical testing. Allele origin: germline.
Comment: This sequence change replaces threonine, which is neutral and polar, with serine, which is neutral and polar, at codon 155 of the AKAP9 protein (p.Thr155Ser). In summary, the available evidence is currently insufficient to determine the role of this variant in disease. Therefore, it has been classified as a Variant of Uncertain Significance. Algorithms developed to predict the effect of missense changes on protein structure and function (SIFT, PolyPhen-2, Align-GVGD) all suggest that this variant is likely to be tolerated. This variant has not been reported in the literature in individuals affected with AKAP9-related conditions. This variant is not present in population databases (gnomAD no frequency).